The following is an entry in ClinVar:

ClinVar aggregate classification (germline): Uncertain significance (1 of 4 stars; one submission).

Allele frequency attached by ClinVar (database versions not stated): gnomAD 0.00001.
gnomAD v4.1: 1 of 1,613,786 alleles (0.000062%); highest among the groups gnomAD compares: African/African-American, 0.0013%; no homozygotes.

Submission:

GeneDx
Classification: Uncertain significance. Last evaluated: 2019-07-26. Review status: criteria provided, single submitter. Criteria: GeneDx Variant Classification Process June 2021. Collection method: clinical testing. Allele origin: germline. Affected: yes.
Comment: Not observed in large population cohorts (Lek et al., 2016); In silico analysis, which includes protein predictors and evolutionary conservation, supports a deleterious effect; Has not been previously published as pathogenic or benign to our knowledge

NM_004183.4(BEST1):c.51C>A (p.Phe17Leu)

Gene: BEST1 (bestrophin 1; plus strand). Cytogenetic location: 11q12.3.
Variant type: single nucleotide variant.
Coding change: c.51C>A on transcript NM_004183.4 (MANE Select); coding-DNA position 51, C replaced by A.
Protein change: p.Phe17Leu; replaces phenylalanine 17 with leucine.
Molecular consequence: missense variant. On other transcripts: non-coding transcript variant (1), intron variant (6).
Genome position (GRCh38, 1-based): chr11:61,951,857, C>A. VCF-style: chr11-61951857-C-A. GRCh37 (hg19) VCF-style: chr11-61719329-C-A.
Other names: c.51C>A, p.Phe17Leu (NM_001363592.2, NM_001440571.1, NM_001440572.1 and 1 more transcripts); c.-29+1430C>A (NM_001139443.3, NM_001300787.2, NM_001440574.1 and 3 more transcripts); short protein forms F17L.
Identifiers: ClinVar variation 1307457 (VCV001307457.2), dbSNP rs1940696725, ClinGen allele CA380831335.
Genomic context (GRCh38, chr11:61,951,857, plus strand): 5'-CTGCCTGGCCATGACCATCACTTACACAAGCCAAGTGGCTAATGCCCGCTTAGGCTCCTT[C>A]TCCCGCCTGCTGCTGTGCTGGCGGGGCAGCATCTACAAGCTGCTATATGGCGAGTTCTTA-3'
Protein context (NP_004174.1, residues 7-27): SQVANARLGS[Phe17Leu]SRLLLCWRGS